The following is an entry in ClinVar:

NM_004104.5(FASN):c.2776C>T (p.Pro926Ser)

Gene: FASN (fatty acid synthase; minus strand). Cytogenetic location: 17q25.3.
Variant type: single nucleotide variant.
Coding change: c.2776C>T on transcript NM_004104.5 (MANE Select); coding-DNA position 2776, C replaced by T.
Protein change: p.Pro926Ser; replaces proline 926 with serine.
Molecular consequence: missense variant.
Genome position (GRCh38, 1-based): chr17:82,088,125, G>A on the plus strand (C>T on the coding strand, the complement: FASN is on the minus strand). VCF-style: chr17-82088125-G-A. GRCh37 (hg19) VCF-style: chr17-80046001-G-A.
Other names: short protein forms P926S.
Identifiers: ClinVar variation 2853277 (VCV002853277.3), dbSNP rs2509838244, ClinGen allele CA401555789.

ClinVar aggregate classification (germline): Uncertain significance (1 of 4 stars; one submission).

Conditions:
Epileptic encephalopathy. Identifiers: MedGen C0543888, HP:0200134.

Allele frequency attached by ClinVar (database versions not stated): gnomAD exomes 0.00001.
gnomAD v4.1: 12 of 1,612,782 alleles (0.00074%); highest among the groups gnomAD compares: Non-Finnish European, 0.00093%; no homozygotes.

Submission:

Labcorp Genetics (formerly Invitae), Labcorp
Classification: Uncertain significance for Epileptic encephalopathy. Last evaluated: 2023-04-07. Review status: criteria provided, single submitter. Criteria: Invitae Variant Classification Sherloc (09022015). Collection method: clinical testing. Allele origin: germline.
Comment: This sequence change replaces proline, which is neutral and non-polar, with serine, which is neutral and polar, at codon 926 of the FASN protein (p.Pro926Ser). This variant is not present in population databases (gnomAD no frequency). This variant has not been reported in the literature in individuals affected with FASN-related conditions. An algorithm developed to predict the effect of missense changes on protein structure and function (PolyPhen-2) suggests that this variant is likely to be tolerated. In summary, the available evidence is currently insufficient to determine the role of this variant in disease. Therefore, it has been classified as a Variant of Uncertain Significance.